The following is an entry in ClinVar:

ClinVar aggregate classification (germline): Uncertain significance (1 of 4 stars; one submission).

Allele frequency attached by ClinVar (database versions not stated): gnomAD exomes below 0.00001.
gnomAD v4.1: 3 of 1,614,118 alleles (0.00019%); highest among the groups gnomAD compares: Non-Finnish European, 0.00017%; no homozygotes.

Submission:

Labcorp Genetics (formerly Invitae), Labcorp
Classification: Uncertain significance. Last evaluated: 2022-05-12. Review status: criteria provided, single submitter. Criteria: Invitae Variant Classification Sherloc (09022015). Collection method: clinical testing. Allele origin: germline.
Comment: In summary, the available evidence is currently insufficient to determine the role of this variant in disease. Therefore, it has been classified as a Variant of Uncertain Significance. Algorithms developed to predict the effect of missense changes on protein structure and function are either unavailable or do not agree on the potential impact of this missense change (SIFT: "Deleterious"; PolyPhen-2: "Probably Damaging"; Align-GVGD: "Class C0"). This variant has not been reported in the literature in individuals affected with DSCAML1-related conditions. This variant is not present in population databases (gnomAD no frequency). This sequence change replaces glycine, which is neutral and non-polar, with aspartic acid, which is acidic and polar, at codon 834 of the DSCAML1 protein (p.Gly834Asp).

NM_020693.4(DSCAML1):c.2321G>A (p.Gly774Asp)

Gene: DSCAML1 (DS cell adhesion molecule like 1; minus strand). Cytogenetic location: 11q23.3.
Variant type: single nucleotide variant.
Coding change: c.2321G>A on transcript NM_020693.4 (MANE Select); coding-DNA position 2321, G replaced by A.
Protein change: p.Gly774Asp; replaces glycine 774 with aspartic acid.
Molecular consequence: missense variant.
Genome position (GRCh38, 1-based): chr11:117,503,883, C>T on the plus strand (G>A on the coding strand, the complement: DSCAML1 is on the minus strand). VCF-style: chr11-117503883-C-T. GRCh37 (hg19) VCF-style: chr11-117374598-C-T.
Other names: c.2321G>A, p.Gly774Asp (NM_001367904.1); short protein forms G774D.
Identifiers: ClinVar variation 1956824 (VCV001956824.5), dbSNP rs2543227244, ClinGen allele CA382753282.
Genomic context (GRCh38, chr11:117,503,883, plus strand): 5'-GGCGTGTGGGGACAGGACTCACTCTTGACTGTGAGGAACATGGACTTGCTGATGTCGGTG[C>T]CTACGCCGTTGCTGGCCTGGCAGAGGTAGTAGCCGATGTCCTCTTCTAGGACGTGGCGGA-3'
Protein context (NP_065744.3, residues 764-784): YYLCQASNGV[Gly774Asp]TDISKSMFLT